The following is an entry in ClinVar:

ClinVar aggregate classification (germline): Benign/Likely benign. Review status: criteria provided, multiple submitters, no conflicts (2 of 4 stars). 7 submissions from 7 submitters: Benign (1); Likely benign (5). 1 of the submissions does not count toward it. Last evaluated 2026-01-26.

Conditions:
SDHA-related disorder. Also called: SDHA-related disorders; SDHA-related condition.
Hereditary cancer-predisposing syndrome. Also called: Neoplastic Syndromes, Hereditary; Hereditary Cancer Syndrome; Tumor predisposition; Hereditary neoplastic syndrome. Identifiers: Orphanet 140162, MedGen C0027672, MeSH D009386, MONDO:0015356.
Mitochondrial complex II deficiency, nuclear type 1. Also called: SUCCINATE CoQ REDUCTASE DEFICIENCY. Identifiers: Orphanet 3208, MedGen C5700310, MONDO:0100294, OMIM 252011.
Pheochromocytoma/paraganglioma syndrome 5. Also called: Paragangliomas 5; SDHA-Related Hereditary Paraganglioma-Pheochromocytoma Syndrome. Identifiers: Orphanet 29072, MedGen C3279992, MONDO:0013602, OMIM 614165.

Allele frequency attached by ClinVar (database versions not stated): gnomAD exomes 0.00002 and 0.00007; gnomAD 0.00003; ExAC 0.00006; TOPMed 0.00012.
gnomAD v4.1: 36 of 1,614,050 alleles (0.0022%); highest among the groups gnomAD compares: African/African-American, 0.016%; no homozygotes.

Submissions (7):

Labcorp Genetics (formerly Invitae), Labcorp
Classification: Likely benign for Pheochromocytoma/paraganglioma syndrome 5; Mitochondrial complex II deficiency, nuclear type 1. Last evaluated: 2026-01-26. Review status: criteria provided, single submitter. Criteria: Invitae Variant Classification Sherloc (09022015). Collection method: clinical testing. Allele origin: germline.

Quest Diagnostics Nichols Institute San Juan Capistrano
Classification: Likely benign. Last evaluated: 2025-08-19. Review status: criteria provided, single submitter. Criteria: Quest Diagnostics criteria. Collection method: clinical testing. Allele origin: unknown.

Myriad Genetics, Inc.
Classification: Benign for Pheochromocytoma/paraganglioma syndrome 5. Last evaluated: 2025-03-10. Review status: criteria provided, single submitter. Criteria: Myriad Autosomal Dominant, Autosomal Recessive and X-Linked Classification Criteria (2023). Collection method: clinical testing. Allele origin: unknown.
Comment: This variant is considered benign. This variant is a silent/synonymous amino acid change and it is not expected to impact splicing.

Blueprint Genetics
Classification: Likely benign. Last evaluated: 2022-03-08. Review status: criteria provided, single submitter. Criteria: ACMG Guidelines, 2015. Collection method: clinical testing. Allele origin: germline.

Sema4
Classification: Likely benign for Hereditary cancer-predisposing syndrome. Last evaluated: 2021-07-13. Review status: criteria provided, single submitter. Criteria: Sema4 Curation Guidelines. Collection method: curation. Allele origin: germline.

Ambry Genetics
Classification: Likely benign for Hereditary cancer-predisposing syndrome. Last evaluated: 2018-09-14. Review status: criteria provided, single submitter. Criteria: Ambry Variant Classification Scheme 2023. Collection method: clinical testing. Allele origin: germline.

PreventionGenetics, part of Exact Sciences
Classification: Likely benign for SDHA-related condition. Last evaluated: 2022-06-02. Review status: no assertion criteria provided. Collection method: clinical testing. Allele origin: germline. Not counted in ClinVar's aggregate classification.
Comment: This variant is classified as likely benign based on ACMG/AMP sequence variant interpretation guidelines (Richards et al. 2015 PMID: 25741868, with internal and published modifications).

NM_004168.4(SDHA):c.1215C>T (p.Thr405=)

Gene: SDHA (succinate dehydrogenase complex flavoprotein subunit A; plus strand). Cytogenetic location: 5p15.33.
Variant type: single nucleotide variant.
Coding change: c.1215C>T on transcript NM_004168.4 (MANE Select); coding-DNA position 1215, C replaced by T.
Protein change: p.Thr405=; no amino-acid change (threonine 405 retained).
Molecular consequence: synonymous variant.
Genome position (GRCh38, 1-based): chr5:235,294, C>T. VCF-style: chr5-235294-C-T. GRCh37 (hg19) VCF-style: chr5-235409-C-T.
Other names: c.1071C>T, p.Thr357= (NM_001294332.2); c.1215C>T, p.Thr405= (NM_001330758.2).
Identifiers: ClinVar variation 239639 (VCV000239639.22), dbSNP rs762888704, ClinGen allele CA3173141.